The following is an entry in ClinVar:

NM_002470.4(MYH3):c.1666C>A (p.Gln556Lys)

Gene: MYH3 (myosin heavy chain 3; minus strand). Cytogenetic location: 17p13.1.
Variant type: single nucleotide variant.
Coding change: c.1666C>A on transcript NM_002470.4 (MANE Select); coding-DNA position 1666, C replaced by A.
Protein change: p.Gln556Lys; replaces glutamine 556 with lysine.
Molecular consequence: missense variant.
Genome position (GRCh38, 1-based): chr17:10,642,639, G>T on the plus strand (C>A on the coding strand, the complement: MYH3 is on the minus strand). VCF-style: chr17-10642639-G-T. GRCh37 (hg19) VCF-style: chr17-10545956-G-T.
Other names: short protein forms Q556K.
Identifiers: ClinVar variation 3613920 (VCV003613920.2).

ClinVar aggregate classification (germline): Uncertain significance (1 of 4 stars; one submission).

gnomAD v4.1: 8 of 1,614,104 alleles (0.0005%); highest among the groups gnomAD compares: African/African-American, 0.011%; no homozygotes.

Submission:

Labcorp Genetics (formerly Invitae), Labcorp
Classification: Uncertain significance. Last evaluated: 2024-01-31. Review status: criteria provided, single submitter. Criteria: Invitae Variant Classification Sherloc (09022015). Collection method: clinical testing. Allele origin: germline.
Comment: This sequence change replaces glutamine, which is neutral and polar, with lysine, which is basic and polar, at codon 556 of the MYH3 protein (p.Gln556Lys). This variant is present in population databases (rs771412794, gnomAD 0.02%). This variant has not been reported in the literature in individuals affected with MYH3-related conditions. Advanced modeling of protein sequence and biophysical properties (such as structural, functional, and spatial information, amino acid conservation, physicochemical variation, residue mobility, and thermodynamic stability) performed at Invitae indicates that this missense variant is not expected to disrupt MYH3 protein function with a negative predictive value of 95%. In summary, the available evidence is currently insufficient to determine the role of this variant in disease. Therefore, it has been classified as a Variant of Uncertain Significance.